The following is an entry in ClinVar:

NC_000007.13:g.6035323_6035324insSVA

Gene: PMS2 (PMS1 homolog 2, mismatch repair system component; minus strand). Cytogenetic location: 7p22.1.
Variant type: Insertion.
Identifiers: ClinVar variation 2756759 (VCV002756759.3), dbSNP rs2536161612.

ClinVar aggregate classification (germline): Pathogenic (1 of 4 stars; one submission).

Conditions:
Hereditary nonpolyposis colorectal neoplasms. Identifiers: MedGen C0009405, MeSH D003123.

Submission:

Labcorp Genetics (formerly Invitae), Labcorp
Classification: Pathogenic for Hereditary nonpolyposis colorectal neoplasms. Last evaluated: 2025-12-10. Review status: criteria provided, single submitter. Criteria: Invitae Variant Classification Sherloc (09022015). Collection method: clinical testing. Allele origin: germline.
Comment: This sequence change inserts a large fragment of DNA, likely a transposable element, in intron 7 of the PMS2 gene. RNA analysis indicates that this variant induces altered splicing and may result in an absent or altered protein product. The frequency data for this variant in the population databases is considered unreliable, as metrics indicate insufficient coverage at this position in the gnomAD database. This variant has been observed in individuals with clinical features of Lynch syndrome (PMID: 22461402, 31332305; internal data). ClinVar contains an entry for this variant (Variation ID: 1761773). Studies have shown that this variant results in activation of a cryptic splice site, and produces a non-functional protein and/or introduces a premature termination codon (PMID: 22461402, 31332305; internal data). For these reasons, this variant has been classified as Pathogenic.

Literature cited by the submitters: PubMed 22461402; PubMed 31332305.